The following is an entry in ClinVar:

NM_004727.3(SLC24A1):c.3074T>C (p.Phe1025Ser)

Gene: SLC24A1 (solute carrier family 24 member 1; plus strand). Cytogenetic location: 15q22.31.
Variant type: single nucleotide variant.
Coding change: c.3074T>C on transcript NM_004727.3 (MANE Select); coding-DNA position 3074, T replaced by C.
Protein change: p.Phe1025Ser; replaces phenylalanine 1025 with serine.
Molecular consequence: missense variant. On other transcripts: intron variant (1).
Genome position (GRCh38, 1-based): chr15:65,653,853, T>C. VCF-style: chr15-65653853-T-C. GRCh37 (hg19) VCF-style: chr15-65946191-T-C.
Other names: c.1055T>C, p.Phe352Ser (NM_001254740.2); c.2984T>C, p.Phe995Ser (NM_001301031.1); c.3020T>C, p.Phe1007Ser (NM_001301032.1); c.2996+1045T>C (NM_001301033.2); short protein forms F1007S, F1025S, F352S, F995S.
Identifiers: ClinVar variation 1056073 (VCV001056073.9), dbSNP rs2141736895, ClinGen allele CA392903171.
Genomic context (GRCh38, chr15:65,653,853, plus strand): 5'-CATTAAGGATATTCACATCGTTTCTTCAATCTTGCAGCTTGCCTGTTCCTTGGTTGCTTT[T>C]CTCTCTTATCAATGGATTACAGCCAGTTCCAGTCAGCAGCAATGGCTTGTTTTGTGCAAT-3'
Protein context (NP_004718.1, residues 1015-1035): TVGLPVPWLL[Phe1025Ser]SLINGLQPVP

ClinVar aggregate classification (germline): Uncertain significance (1 of 4 stars; one submission).

Submission:

Labcorp Genetics (formerly Invitae), Labcorp
Classification: Uncertain significance. Last evaluated: 2020-05-23. Review status: criteria provided, single submitter. Criteria: Invitae Variant Classification Sherloc (09022015). Collection method: clinical testing. Allele origin: germline.
Comment: In summary, the available evidence is currently insufficient to determine the role of this variant in disease. Therefore, it has been classified as a Variant of Uncertain Significance. Algorithms developed to predict the effect of missense changes on protein structure and function (SIFT, PolyPhen-2, Align-GVGD) all suggest that this variant is likely to be tolerated, but these predictions have not been confirmed by published functional studies and their clinical significance is uncertain. This variant has not been reported in the literature in individuals with SLC24A1-related conditions. This variant is not present in population databases (ExAC no frequency). This sequence change replaces phenylalanine with serine at codon 1025 of the SLC24A1 protein (p.Phe1025Ser). The phenylalanine residue is moderately conserved and there is a large physicochemical difference between phenylalanine and serine.